The following is an entry in ClinVar:

ClinVar aggregate classification (germline): Conflicting classifications of pathogenicity. Review status: criteria provided, conflicting classifications (1 of 4 stars). 4 submissions from 4 submitters: Uncertain significance (1); Benign (1); Likely benign (1). 1 of the submissions does not count toward it. Last evaluated 2025-08-31.

Conditions:
Inborn genetic diseases. Identifiers: MedGen C0950123, MeSH D030342.
Treacher Collins syndrome 1 (TCS1). Also called: TCOF1-Related Treacher Collins Syndrome. Identifiers: Orphanet 861, MedGen CN315775, MONDO:0007944, OMIM 154500.
TCOF1-related disorder. Also called: TCOF1-related condition.

Allele frequency attached by ClinVar (database versions not stated): gnomAD exomes 0.00003 and 0.00007; ExAC 0.00010; gnomAD 0.00023 and 0.00025; TOPMed 0.00026; ESP Exome Variant Server 0.00046.
gnomAD v4.1: 85 of 1,613,966 alleles (0.0053%); highest among the groups gnomAD compares: African/African-American, 0.087%; no homozygotes.

Submissions (4):

Labcorp Genetics (formerly Invitae), Labcorp
Classification: Likely benign for Treacher Collins syndrome 1. Last evaluated: 2025-08-31. Review status: criteria provided, single submitter. Criteria: Invitae Variant Classification Sherloc (09022015). Collection method: clinical testing. Allele origin: germline.

Ambry Genetics
Classification: Uncertain significance for Inborn genetic diseases. Last evaluated: 2021-09-27. Review status: criteria provided, single submitter. Criteria: Ambry Variant Classification Scheme 2023. Collection method: clinical testing. Allele origin: germline.

GeneDx
Classification: Benign. Last evaluated: 2020-02-26. Review status: criteria provided, single submitter. Criteria: GeneDx Variant Classification Process June 2021. Collection method: clinical testing. Allele origin: germline. Affected: yes.

PreventionGenetics, part of Exact Sciences
Classification: Likely benign for TCOF1-related condition. Last evaluated: 2023-12-01. Review status: no assertion criteria provided. Collection method: clinical testing. Allele origin: germline. Not counted in ClinVar's aggregate classification.
Comment: This variant is classified as likely benign based on ACMG/AMP sequence variant interpretation guidelines (Richards et al. 2015 PMID: 25741868, with internal and published modifications).

NM_001371623.1(TCOF1):c.3191A>G (p.Lys1064Arg)

Gene: TCOF1 (treacle ribosome biogenesis factor 1; plus strand). Cytogenetic location: 5q32.
Variant type: single nucleotide variant.
Coding change: c.3191A>G on transcript NM_001371623.1 (MANE Select); coding-DNA position 3191, A replaced by G.
Protein change: p.Lys1064Arg; replaces lysine 1064 with arginine.
Molecular consequence: missense variant. On other transcripts: intron variant (2).
Genome position (GRCh38, 1-based): chr5:150,391,551, A>G. VCF-style: chr5-150391551-A-G. GRCh37 (hg19) VCF-style: chr5-149771114-A-G.
Other names: c.2960A>G, p.Lys987Arg (NM_000356.4, NM_001135245.2); c.3191A>G, p.Lys1064Arg (NM_001135243.2); c.3184-406A>G (NM_001135244.2, NM_001195141.2); short protein forms K1064R, K987R.
Identifiers: ClinVar variation 1258309 (VCV001258309.10), dbSNP rs149117118, ClinGen allele CA3511441.
Genomic context (GRCh38, chr5:150,391,551, plus strand): 5'-AGCTGGCATCCCAAGGACTTGTGAGTCTGAGGGCTACCTCTTGCCACCCACAGGTGTCAA[A>G]GAAGAACCCAGCTTCCCTCCCACTGACCCAGGCTGCCCTGAAGGTCCTCGCCCAGAAAGC-3'
Protein context (NP_001358552.1, residues 1054-1074): KQEGPATQVS[Lys1064Arg]KNPASLPLTQ